The following is an entry in ClinVar:

NM_014686.5(GARRE1):c.2712G>A (p.Ser904=)

Gene: GARRE1 (granule associated Rac and RHOG effector 1; plus strand). Cytogenetic location: 19q13.11.
Variant type: single nucleotide variant.
Coding change: c.2712G>A on transcript NM_014686.5 (MANE Select); coding-DNA position 2712, G replaced by A.
Protein change: p.Ser904=; no amino-acid change (serine 904 retained).
Molecular consequence: synonymous variant.
Genome position (GRCh38, 1-based): chr19:34,349,040, G>A. VCF-style: chr19-34349040-G-A. GRCh37 (hg19) VCF-style: chr19-34839945-G-A.
Identifiers: ClinVar variation 2649703 (VCV002649703.24), dbSNP rs149791226, ClinGen allele CA9366569.

ClinVar aggregate classification (germline): Likely benign (1 of 4 stars; one submission).

Allele frequency attached by ClinVar (database versions not stated): ESP Exome Variant Server 0.00054; 1000 Genomes Project 30x 0.00078; 1000 Genomes Project 0.00080; TOPMed 0.00102.
gnomAD v4.1: 278 of 1,611,922 alleles (0.017%); highest among the groups gnomAD compares: African/African-American, 0.27%; no homozygotes.

Submission:

CeGaT Center for Human Genetics Tuebingen
Classification: Likely benign. Last evaluated: 2022-04-01. Review status: criteria provided, single submitter. Criteria: CeGaT Center For Human Genetics Tuebingen Variant Classification Criteria Version 2. Collection method: clinical testing. Allele origin: germline. Affected: yes. Observed: 1 variant allele.
Comment: GARRE1: BP4, BP7